The following is an entry in ClinVar:

ClinVar aggregate classification (germline): Likely benign. Review status: criteria provided, multiple submitters, no conflicts (2 of 4 stars). 3 submissions from 3 submitters: Likely benign (2). 1 of the submissions does not count toward it. Last evaluated 2025-05-12.

Conditions:
KIF5A-related disorder. Also called: KIF5A-related condition; KIF5A-related disorders.
Spastic paraplegia. Identifiers: MedGen C0037772, HP:0001258.

Allele frequency attached by ClinVar (database versions not stated): gnomAD exomes below 0.00001; gnomAD 0.00001; ExAC 0.00002.

Submissions (3):

Labcorp Genetics (formerly Invitae), Labcorp
Classification: Likely benign for Spastic paraplegia. Last evaluated: 2025-05-12. Review status: criteria provided, single submitter. Criteria: Invitae Variant Classification Sherloc (09022015). Collection method: clinical testing. Allele origin: germline.

Blueprint Genetics
Classification: Likely benign. Last evaluated: 2022-09-16. Review status: criteria provided, single submitter. Criteria: ACMG Guidelines, 2015. Collection method: clinical testing. Allele origin: germline.

PreventionGenetics, part of Exact Sciences
Classification: Likely benign for KIF5A-related condition. Last evaluated: 2023-05-23. Review status: no assertion criteria provided. Collection method: clinical testing. Allele origin: germline. Not counted in ClinVar's aggregate classification.
Comment: This variant is classified as likely benign based on ACMG/AMP sequence variant interpretation guidelines (Richards et al. 2015 PMID: 25741868, with internal and published modifications).

NM_004984.4(KIF5A):c.1728C>T (p.Ile576=)

Gene: KIF5A (kinesin family member 5A; plus strand). Cytogenetic location: 12q13.3.
Variant type: single nucleotide variant.
Coding change: c.1728C>T on transcript NM_004984.4 (MANE Select); coding-DNA position 1728, C replaced by T.
Protein change: p.Ile576=; no amino-acid change (isoleucine 576 retained).
Molecular consequence: synonymous variant.
Genome position (GRCh38, 1-based): chr12:57,575,095, C>T. VCF-style: chr12-57575095-C-T. GRCh37 (hg19) VCF-style: chr12-57968878-C-T.
Other names: c.1728C>T (NM_004984.2); c.1461C>T, p.Ile487= (NM_001354705.2).
Identifiers: ClinVar variation 3020647 (VCV003020647.5), dbSNP rs763061124, ClinGen allele CA6652913.
Genomic context (GRCh38, chr12:57,575,095, plus strand): 5'-AAGCTTCCCAGCAGCCAAGAAGCATCTCTTCCTCCTTTAATCACCTTAGCCAGTGGAGAT[C>T]AGTGGGGCCATCGAGGAGGAGTTCACTGTGGCCCGACTCTACATCAGCAAAATCAAATCA-3'
Protein context (NP_004975.2, residues 566-586): GNGEIKLPVE[Ile576=]SGAIEEEFTV